The following is an entry in ClinVar:

ClinVar aggregate classification (germline): Conflicting classifications of pathogenicity. Review status: criteria provided, conflicting classifications (1 of 4 stars). 2 submissions from 2 submitters: Likely pathogenic (1); Uncertain significance (1). Last evaluated 2021-02-17.

Conditions:
GFAP-related disorder. Also called: GFAP-related disorders; GFAP-related condition.

Submissions (2):

Labcorp Genetics (formerly Invitae), Labcorp
Classification: Uncertain significance. Last evaluated: 2021-02-17. Review status: criteria provided, single submitter. Criteria: Invitae Variant Classification Sherloc (09022015). Collection method: clinical testing. Allele origin: germline.
Comment: In summary, the available evidence is currently insufficient to determine the role of this variant in disease. Therefore, it has been classified as a Variant of Uncertain Significance. This variant disrupts the p.Asn77 amino acid residue in GFAP. Other variant(s) that disrupt this residue have been determined to be pathogenic (PMID: 15732097, 17894839). This suggests that this residue is clinically significant, and that variants that disrupt this residue are likely to be disease-causing. Algorithms developed to predict the effect of missense changes on protein structure and function are either unavailable or do not agree on the potential impact of this missense change (SIFT: "Deleterious"; PolyPhen-2: "Probably Damaging"; Align-GVGD: "Class C15"). This variant has not been reported in the literature in individuals with GFAP-related conditions. This variant is not present in population databases (ExAC no frequency). This sequence change replaces asparagine with aspartic acid at codon 77 of the GFAP protein (p.Asn77Asp). The asparagine residue is highly conserved and there is a small physicochemical difference between asparagine and aspartic acid.

Blueprint Genetics
Classification: Likely pathogenic for GFAP-related disorders. Last evaluated: 2018-11-27. Review status: criteria provided, single submitter. Criteria: ACMG Guidelines, 2015. Collection method: clinical testing. Allele origin: germline. Affected: yes. Observed: 1 variant allele.

Literature cited by the submitters: PubMed 15732097 (cited by Labcorp Genetics (formerly Invitae), Labcorp); PubMed 17894839 (cited by Labcorp Genetics (formerly Invitae), Labcorp).

NM_002055.5(GFAP):c.229A>G (p.Asn77Asp)

Gene: GFAP (glial fibrillary acidic protein; minus strand). Cytogenetic location: 17q21.31.
Variant type: single nucleotide variant.
Coding change: c.229A>G on transcript NM_002055.5 (MANE Select); coding-DNA position 229, A replaced by G.
Protein change: p.Asn77Asp; replaces asparagine 77 with aspartic acid.
Molecular consequence: missense variant.
Genome position (GRCh38, 1-based): chr17:44,915,258, T>C on the plus strand (A>G on the coding strand, the complement: GFAP is on the minus strand). VCF-style: chr17-44915258-T-C. GRCh37 (hg19) VCF-style: chr17-42992626-T-C.
Other names: c.229A>G, p.Asn77Asp (NM_001131019.3, NM_001242376.3, NM_001363846.2); short protein forms N77D.
Identifiers: ClinVar variation 1511262 (VCV001511262.9), dbSNP rs58732244, ClinGen allele CA399848709.
Genomic context (GRCh38, chr17:44,915,258, plus strand): 5'-GCGCCTTGTTTTGCTGTTCCAGGAAGCGAACCTTCTCGATGTAGCTGGCAAAGCGGTCAT[T>C]GAGCTCCATCATCTCTGCCCGCTCACTGGCCCGGGTCTCCTTGAAGCCAGCATTGAGTGC-3'
Protein context (NP_002046.1, residues 67-87): ASERAEMMEL[Asn77Asp]DRFASYIEKV